The following is an entry in ClinVar:

NM_025179.4(PLXNA2):c.1244G>C (p.Gly415Ala)

Gene: PLXNA2 (plexin A2; minus strand). Cytogenetic location: 1q32.2.
Variant type: single nucleotide variant.
Coding change: c.1244G>C on transcript NM_025179.4 (MANE Select); coding-DNA position 1244, G replaced by C.
Protein change: p.Gly415Ala; replaces glycine 415 with alanine.
Molecular consequence: missense variant.
Genome position (GRCh38, 1-based): chr1:208,210,407, C>G on the plus strand (G>C on the coding strand, the complement: PLXNA2 is on the minus strand). VCF-style: chr1-208210407-C-G. GRCh37 (hg19) VCF-style: chr1-208383752-C-G.
Other names: c.1244G>C (NM_025179.3); short protein forms G415A.
Identifiers: ClinVar variation 1364836 (VCV001364836.10), dbSNP rs192830917, ClinGen allele CA344555581.

ClinVar aggregate classification (germline): Uncertain significance. Review status: criteria provided, multiple submitters, no conflicts (2 of 4 stars). 3 submissions from 3 submitters: Uncertain significance (3). Last evaluated 2025-10-15.

Conditions:
PLXNA2-related disorder. Also called: PLXNA2-related condition.

Allele frequency attached by ClinVar (database versions not stated): gnomAD exomes below 0.00001.

Submissions (3):

PreventionGenetics, part of Exact Sciences
Classification: Uncertain significance for PLXNA2-related condition. Last evaluated: 2025-10-15. Review status: criteria provided, single submitter. Criteria: ACMG Guidelines, 2015. Collection method: clinical testing. Allele origin: germline.
Comment: The PLXNA2 c.1244G>C variant is predicted to result in the amino acid substitution p.Gly415Ala. To our knowledge, this variant has not been reported in the literature. This variant is reported in 0.0057% of alleles in individuals of Latino descent in gnomAD. At this time, the clinical significance of this variant is uncertain due to the absence of conclusive functional and genetic evidence.

Labcorp Genetics (formerly Invitae), Labcorp
Classification: Uncertain significance. Last evaluated: 2025-09-02. Review status: criteria provided, single submitter. Criteria: Invitae Variant Classification Sherloc (09022015). Collection method: clinical testing. Allele origin: germline.
Comment: This sequence change replaces glycine, which is neutral and non-polar, with alanine, which is neutral and non-polar, at codon 415 of the PLXNA2 protein (p.Gly415Ala). This variant is present in population databases (no rsID available, gnomAD 0.006%). This variant has not been reported in the literature in individuals affected with PLXNA2-related conditions. ClinVar contains an entry for this variant (Variation ID: 1364836). Invitae Evidence Modeling of protein sequence and biophysical properties (such as structural, functional, and spatial information, amino acid conservation, physicochemical variation, residue mobility, and thermodynamic stability) indicates that this missense variant is expected to disrupt PLXNA2 protein function with a positive predictive value of 80%. In summary, the available evidence is currently insufficient to determine the role of this variant in disease. Therefore, it has been classified as a Variant of Uncertain Significance.

Ambry Genetics
Classification: Uncertain significance. Last evaluated: 2025-08-29. Review status: criteria provided, single submitter. Criteria: Ambry Variant Classification Scheme 2023. Collection method: clinical testing. Allele origin: germline.